The following is an entry in ClinVar:

ClinVar aggregate classification (germline): Uncertain significance (1 of 4 stars; one submission).

Conditions:
Long QT syndrome (LQTS). Identifiers: MedGen C0023976, MeSH D008133, MONDO:0002442. Disease mechanism: loss of function. Inheritance: Various modes of inheritance.

Allele frequency attached by ClinVar (database versions not stated): TOPMed 0.00002.
gnomAD v4.1: 15 of 1,613,960 alleles (0.00093%); highest among the groups gnomAD compares: South Asian, 0.011%; no homozygotes.

Submission:

Labcorp Genetics (formerly Invitae), Labcorp
Classification: Uncertain significance for Long QT syndrome. Last evaluated: 2022-05-25. Review status: criteria provided, single submitter. Criteria: Invitae Variant Classification Sherloc (09022015). Collection method: clinical testing. Allele origin: germline.
Comment: Algorithms developed to predict the effect of missense changes on protein structure and function output the following: SIFT: "Tolerated"; PolyPhen-2: "Benign"; Align-GVGD: "Class C0". The methionine amino acid residue is found in multiple mammalian species, which suggests that this missense change does not adversely affect protein function. In summary, the available evidence is currently insufficient to determine the role of this variant in disease. Therefore, it has been classified as a Variant of Uncertain Significance. This variant has not been reported in the literature in individuals affected with AKAP9-related conditions. This variant is present in population databases (no rsID available, gnomAD 0.01%). This sequence change replaces valine, which is neutral and non-polar, with methionine, which is neutral and non-polar, at codon 2453 of the AKAP9 protein (p.Val2453Met).

NM_005751.5(AKAP9):c.7357G>A (p.Val2453Met)

Gene: AKAP9 (A-kinase anchoring protein 9; plus strand). Cytogenetic location: 7q21.2.
Variant type: single nucleotide variant.
Coding change: c.7357G>A on transcript NM_005751.5 (MANE Select); coding-DNA position 7357, G replaced by A.
Protein change: p.Val2453Met; replaces valine 2453 with methionine.
Molecular consequence: missense variant.
Genome position (GRCh38, 1-based): chr7:92,079,490, G>A. VCF-style: chr7-92079490-G-A. GRCh37 (hg19) VCF-style: chr7-91708804-G-A.
Other names: c.2002G>A, p.Val668Met (NM_001379277.1); c.7333G>A, p.Val2445Met (NM_147185.3); short protein forms V668M, V2445M, V2453M.
Identifiers: ClinVar variation 1982514 (VCV001982514.4), dbSNP rs1158032444, ClinGen allele CA368135556.